The following is an entry in ClinVar:

ClinVar aggregate classification (germline): Uncertain significance. Review status: criteria provided, multiple submitters, no conflicts (2 of 4 stars). 2 submissions from 2 submitters: Uncertain significance (2). Last evaluated 2025-07-18.

Conditions:
Autosomal recessive limb-girdle muscular dystrophy type 2J (LGMDR10). Also called: Limb-girdle muscular dystrophy, type 2J; MUSCULAR DYSTROPHY, LIMB-GIRDLE, AUTOSOMAL RECESSIVE 10. Identifiers: Orphanet 140922, MedGen C1837342, MONDO:0012127, OMIM 608807.
Dilated cardiomyopathy 1G (CMD1G). Identifiers: Orphanet 154, MedGen C1858763, MONDO:0011400, OMIM 604145.
Cardiovascular phenotype. Identifiers: MedGen CN230736.

Allele frequency attached by ClinVar (database versions not stated): TOPMed 0.00002; gnomAD 0.00005; 1000 Genomes Project 30x 0.00016; 1000 Genomes Project 0.00020.
gnomAD v4.1: 11 of 1,614,028 alleles (0.00068%); highest among the groups gnomAD compares: African/African-American, 0.015%; no homozygotes.

Submissions (2):

Labcorp Genetics (formerly Invitae), Labcorp
Classification: Uncertain significance for Dilated cardiomyopathy 1G; Autosomal recessive limb-girdle muscular dystrophy type 2J. Last evaluated: 2025-07-18. Review status: criteria provided, single submitter. Criteria: Invitae Variant Classification Sherloc (09022015). Collection method: clinical testing. Allele origin: germline.
Comment: This sequence change replaces histidine, which is basic and polar, with aspartic acid, which is acidic and polar, at codon 34702 of the TTN protein (p.His34702Asp). This variant is present in population databases (rs139894068, gnomAD 0.01%). This variant has not been reported in the literature in individuals affected with TTN-related conditions. ClinVar contains an entry for this variant (Variation ID: 1760155). Experimental studies and prediction algorithms are not available or were not evaluated, and the functional significance of this variant is currently unknown. This variant is located in the M band of TTN (PMID: 25589632). Non-truncating variants in this region may be relevant for neuromuscular disorders, but have not been definitively shown to cause cardiomyopathy (PMID: 23975875). In summary, the available evidence is currently insufficient to determine the role of this variant in disease. Therefore, it has been classified as a Variant of Uncertain Significance.

Ambry Genetics
Classification: Uncertain significance for Cardiovascular phenotype. Last evaluated: 2019-10-11. Review status: criteria provided, single submitter. Criteria: Ambry Variant Classification Scheme 2023. Collection method: clinical testing. Allele origin: germline.
Comment: The p.H25637D variant (also known as c.76909C>G), located in coding exon 185 of the TTN gene, results from a C to G substitution at nucleotide position 76909. The histidine at codon 25637 is replaced by aspartic acid, an amino acid with similar properties. This amino acid position is poorly conserved in available vertebrate species. In addition, this alteration is predicted to be tolerated by in silico analysis. Since supporting evidence is limited at this time, the clinical significance of this alteration remains unclear.

Literature cited by the submitters: PubMed 25589632 (cited by Labcorp Genetics (formerly Invitae), Labcorp); PubMed 23975875 (cited by Labcorp Genetics (formerly Invitae), Labcorp).

NM_001267550.2(TTN):c.104104C>G (p.His34702Asp)

Genes: TTN-AS1 (TTN antisense RNA 1; plus strand), TTN (titin; minus strand). Cytogenetic location: 2q31.2.
Variant type: single nucleotide variant.
Coding change: c.104104C>G on transcript NM_001267550.2 (MANE Select); coding-DNA position 104104, C replaced by G.
Protein change: p.His34702Asp; replaces histidine 34702 with aspartic acid.
Molecular consequence: missense variant.
Genome position (GRCh38, 1-based): chr2:178,532,511, G>C on the plus strand (C>G on the coding strand, the complement: TTN is on the minus strand). VCF-style: chr2-178532511-G-C. GRCh37 (hg19) VCF-style: chr2-179397238-G-C.
Other names: c.99181C>G, p.His33061Asp (NM_001256850.1); c.76909C>G, p.His25637Asp (NM_003319.4); c.96400C>G, p.His32134Asp (NM_133378.4); c.77284C>G, p.His25762Asp (NM_133432.3); c.77485C>G, p.His25829Asp (NM_133437.4); short protein forms H32134D, H34702D, H25762D, H25829D, H33061D, H25637D.
Identifiers: ClinVar variation 1760155 (VCV001760155.5), dbSNP rs139894068, ClinGen allele CA1985481.
Genomic context (GRCh38, chr2:178,532,511, plus strand): 5'-TTTCCTCCACCTTGACATGAGCTTGTGGTGAAGAGTAACGTAGGCTAGAAAGCTCAAAGT[G>C]TGGAGGGCTTCGACTTGGGGGTGAAGCTGAAAAACCTAACTCAAGCTCTTCTTCAAGACG-3'
Protein context (NP_001254479.2, residues 34692-34712): SASPPSRSPP[His34702Asp]FELSSLRYSS